The following is an entry in ClinVar:

ClinVar aggregate classification (germline): Uncertain significance. Review status: criteria provided, multiple submitters, no conflicts (2 of 4 stars). 2 submissions from 2 submitters: Uncertain significance (2). Last evaluated 2025-12-09.

Conditions:
Hereditary cancer-predisposing syndrome. Also called: Hereditary Cancer Syndrome; Hereditary neoplastic syndrome; Neoplastic Syndromes, Hereditary; Tumor predisposition. Identifiers: Orphanet 140162, MedGen C0027672, MeSH D009386, MONDO:0015356.
Hereditary nonpolyposis colorectal neoplasms. Identifiers: MedGen C0009405, MeSH D003123.

Submissions (2):

Ambry Genetics
Classification: Uncertain significance for Hereditary cancer-predisposing syndrome. Last evaluated: 2025-12-09. Review status: criteria provided, single submitter. Criteria: Ambry Variant Classification Scheme 2023. Collection method: clinical testing. Allele origin: germline.
Comment: The c.4002-2_4035dup36 variant results from a duplication of 36 nucleotides between positions 4002-2 and 4035 and involves the canonical splice acceptor site before coding exon 10 of the MSH6 gene. In silico splice site analysis predicts that this alteration will weaken the native splice acceptor site and will result in the creation or strengthening of a novel splice acceptor site; however, direct evidence is insufficient at this time (Ambry internal data). The canonical splice acceptor site is highly conserved in available vertebrate species. Based on the available evidence, the clinical significance of this variant remains unclear.

Labcorp Genetics (formerly Invitae), Labcorp
Classification: Uncertain significance for Hereditary nonpolyposis colorectal neoplasms. Last evaluated: 2024-11-18. Review status: criteria provided, single submitter. Criteria: Invitae Variant Classification Sherloc (09022015). Collection method: clinical testing. Allele origin: germline.
Comment: This variant, c.4002-2_4035dup, results in the insertion of 12 amino acid(s) of the MSH6 protein (p.Arg1334_Val1345dup), but otherwise preserves the integrity of the reading frame. This variant is not present in population databases (gnomAD no frequency). This variant has not been reported in the literature in individuals affected with MSH6-related conditions. Experimental studies and prediction algorithms are not available or were not evaluated, and the functional significance of this variant is currently unknown. In summary, the available evidence is currently insufficient to determine the role of this variant in disease. Therefore, it has been classified as a Variant of Uncertain Significance.

NM_000179.3(MSH6):c.4002-2_4035dup

Gene: MSH6 (mutS homolog 6; plus strand). Cytogenetic location: 2p16.3.
Variant type: Duplication.
Coding change: c.4002-2_4035dup on transcript NM_000179.3 (MANE Select); the canonical splice acceptor site of the intron before coding-DNA position 4002 through coding-DNA position 4035, 36 bases duplicated.
Molecular consequence: splice acceptor variant.
Genome position (GRCh38, 1-based): chr2:47,806,777-47,806,812, 36 bases duplicated; duplicating any 36 consecutive bases within chr2:47,806,775-47,806,812 gives the same sequence; the c. name uses the placement nearest the transcript's 3' end. GRCh37 (hg19): chr2:48,033,916-48,033,951.
Other names: c.3477-2_3510dup (NM_001406807.1, NM_001406799.1, NM_001406806.1); c.3096-2_3129dup (NM_001406814.1, NM_001281493.2, NM_001406816.1 and 6 more transcripts); c.4002-7_*16dup (NM_001406808.1); c.*23-2_*56dup (NM_001406800.1); c.3828-2_3861dup (NM_001406798.1); c.3138-2_3171dup (NM_001406803.1); c.2436-2_2469dup (NM_001406817.1); c.1947-2_1980dup (NM_001407362.1); and 12 more.
Identifiers: ClinVar variation 3725476 (VCV003725476.3).